The following is an entry in ClinVar:

ClinVar aggregate classification (germline): Conflicting classifications of pathogenicity. Review status: criteria provided, conflicting classifications (1 of 4 stars). 3 submissions from 3 submitters: Uncertain significance (2); Benign (1). Last evaluated 2024-12-31.

Conditions:
Primary ciliary dyskinesia. Also called: Ciliary dyskinesia. Identifiers: Orphanet 244, MedGen C0008780, MONDO:0016575, HP:0012265.

Allele frequency attached by ClinVar (database versions not stated): gnomAD exomes 0.00001.

Submissions (3):

Ambry Genetics
Classification: Uncertain significance for Primary ciliary dyskinesia. Last evaluated: 2024-12-31. Review status: criteria provided, single submitter. Criteria: Ambry Variant Classification Scheme 2023. Collection method: clinical testing. Allele origin: germline.
Comment: The p.Q2446R variant (also known as c.7337A>G), located in coding exon 45 of the DNAH11 gene, results from an A to G substitution at nucleotide position 7337. The glutamine at codon 2446 is replaced by arginine, an amino acid with highly similar properties. This amino acid position is conserved. In addition, this alteration is predicted to be tolerated by in silico analysis. Based on the available evidence, the clinical significance of this variant remains unclear.

Blueprint Genetics
Classification: Uncertain significance. Last evaluated: 2023-12-07. Review status: criteria provided, single submitter. Criteria: ACMG Guidelines, 2015. Collection method: clinical testing. Allele origin: germline.

Labcorp Genetics (formerly Invitae), Labcorp
Classification: Benign for Primary ciliary dyskinesia. Last evaluated: 2023-09-19. Review status: criteria provided, single submitter. Criteria: Invitae Variant Classification Sherloc (09022015). Collection method: clinical testing. Allele origin: germline.

NM_001277115.2(DNAH11):c.7337A>G (p.Gln2446Arg)

Gene: DNAH11 (dynein axonemal heavy chain 11; plus strand). Cytogenetic location: 7p15.3.
Variant type: single nucleotide variant.
Coding change: c.7337A>G on transcript NM_001277115.2 (MANE Select); coding-DNA position 7337, A replaced by G.
Protein change: p.Gln2446Arg; replaces glutamine 2446 with arginine.
Molecular consequence: missense variant.
Genome position (GRCh38, 1-based): chr7:21,725,881, A>G. VCF-style: chr7-21725881-A-G. GRCh37 (hg19) VCF-style: chr7-21765499-A-G.
Other names: c.7337A>G (NM_001277115.1); c.7358A>G, p.Gln2453Arg (NM_003777.3); short protein forms Q2453R, Q2446R.
Identifiers: ClinVar variation 2963714 (VCV002963714.5), dbSNP rs756225547, ClinGen allele CA4181196.